The following is an entry in ClinVar:

NM_017739.4(POMGNT1):c.1111-8_1119del

Genes: POMGNT1 (protein O-linked mannose N-acetylglucosaminyltransferase 1 (beta 1,2-); minus strand), TSPAN1 (tetraspanin 1; plus strand). Cytogenetic location: 1p34.1.
Variant type: Deletion.
Coding change: c.1111-8_1119del on transcript NM_017739.4 (MANE Select); 8 bases into the intron before coding-DNA position 1111 through coding-DNA position 1119, 17 bases deleted (ACTCCCAGCACTACAAG).
Molecular consequence: splice acceptor variant.
Genome position (GRCh38, 1-based): chr1:46,193,207-46,193,223, CTTGTAGTGCTGGGAGT deleted on the plus strand (ACTCCCAGCACTACAAG on the coding strand, the reverse complement: POMGNT1 is on the minus strand). VCF-style (leftmost placement, unchanged base first): chr1-46193206-CCTTGTAGTGCTGGGAGT-C. GRCh37 (hg19) VCF-style: chr1-46658878-CCTTGTAGTGCTGGGAGT-C.
Other names: c.1111-8_1119del (NM_001437653.1, NM_001410783.1, NM_001438688.1 and 3 more transcripts); c.1045-8_1053del (NM_001438692.1, NM_001290129.3, NM_001438691.1); c.682-8_690del (NM_001290130.2).
Identifiers: ClinVar variation 2002199 (VCV002002199.4), dbSNP rs2525403699, ClinGen allele CA2580062939.

ClinVar aggregate classification (germline): Likely pathogenic (1 of 4 stars; one submission).

Conditions:
Autosomal recessive limb-girdle muscular dystrophy type 2O. Also called: Limb-Girdle Muscular Dystrophy Type 3C; MUSCULAR DYSTROPHY-DYSTROGLYCANOPATHY (LIMB-GIRDLE), TYPE C, 3; MUSCULAR DYSTROPHY-DYSTROGLYCANOPATHY, LIMB-GIRDLE, POMGNT1-RELATED. Identifiers: Orphanet 206564, MedGen C3150417, MONDO:0013161, OMIM 613157.
Muscular dystrophy-dystroglycanopathy (congenital with impaired intellectual development), type B, 3. Also called: MUSCULAR DYSTROPHY, CONGENITAL, POMGNT1-RELATED; Muscular dystrophy-dystroglycanopathy (congenital with intellectual disability), type B3. Identifiers: MedGen C3150412, MONDO:0013155, OMIM 613151.

Submission:

Labcorp Genetics (formerly Invitae), Labcorp
Classification: Likely pathogenic for Autosomal recessive limb-girdle muscular dystrophy type 2O; Muscular dystrophy-dystroglycanopathy (congenital with impaired intellectual development), type B, 3. Last evaluated: 2022-06-03. Review status: criteria provided, single submitter. Criteria: Invitae Variant Classification Sherloc (09022015). Collection method: clinical testing. Allele origin: germline.
Comment: Algorithms developed to predict the effect of sequence changes on RNA splicing suggest that this variant may disrupt the consensus splice site. This variant has not been reported in the literature in individuals affected with POMGNT1-related conditions. This variant is not present in population databases (gnomAD no frequency). This variant results in the deletion of part of exon 13 of the POMGNT1 gene. It is expected to disrupt RNA splicing. Variants that disrupt the donor or acceptor splice site typically lead to a loss of protein function (PMID: 16199547), and loss-of-function variants in POMGNT1 are known to be pathogenic (PMID: 19299310, 20816175, 21447391, 26908613, 27391550). In summary, the currently available evidence indicates that the variant is pathogenic, but additional data are needed to prove that conclusively. Therefore, this variant has been classified as Likely Pathogenic.

Literature cited by the submitters: PubMed 16199547; PubMed 19299310; PubMed 20816175; PubMed 21447391; PubMed 26908613; PubMed 27391550.